The following is an entry in ClinVar:

NM_001322934.2(NFKB2):c.1167G>C (p.Gln389His)

Genes: NFKB2 (nuclear factor kappa B subunit 2; plus strand), LOC130004599 (ATAC-STARR-seq lymphoblastoid silent region 2756; plus strand). Cytogenetic location: 10q24.32.
Variant type: single nucleotide variant.
Coding change: c.1167G>C on transcript NM_001322934.2 (MANE Select); coding-DNA position 1167, G replaced by C.
Protein change: p.Gln389His; replaces glutamine 389 with histidine.
Molecular consequence: missense variant.
Genome position (GRCh38, 1-based): chr10:102,399,337, G>C. VCF-style: chr10-102399337-G-C. GRCh37 (hg19) VCF-style: chr10-104159094-G-C.
Other names: c.1167G>C, p.Gln389His (NM_001077493.1, NM_001077494.3, NM_001261403.3 and 2 more transcripts); c.1041G>C, p.Gln347His (NM_001322935.1); short protein forms Q347H, Q389H.
Identifiers: ClinVar variation 2739353 (VCV002739353.3), dbSNP rs746467194, ClinGen allele CA5664766.
Genomic context (GRCh38, chr10:102,399,337, plus strand): 5'-TGTATCCACAGGTGGCAGCCTCGGTTTCTTCCCCTCCTCCCTGGCCTACAGCCCCTACCA[G>C]TCCGGCGCGGGCCCCATGGGCTGCTACCCGGGAGGCGGGGGCGGGGCGCAGATGGCCGCC-3'
Protein context (NP_001309863.1, residues 379-399): FPSSLAYSPY[Gln389His]SGAGPMGCYP

ClinVar aggregate classification (germline): Uncertain significance (1 of 4 stars; one submission).

Conditions:
Immunodeficiency, common variable, 10. Also called: IMMUNODEFICIENCY, COMMON VARIABLE, WITH CENTRAL ADRENAL INSUFFICIENCY; DEFICIT IN ANTERIOR PITUITARY FUNCTION AND VARIABLE IMMUNODEFICIENCY. Identifiers: MedGen C3809991, MONDO:0014260, OMIM 615577.

Allele frequency attached by ClinVar (database versions not stated): ExAC 0.00002; gnomAD exomes 0.00001; TOPMed 0.00001.
gnomAD v4.1: 6 of 1,579,996 alleles (0.00038%); highest among the groups gnomAD compares: Admixed American, 0.0074%; no homozygotes.

Submission:

Labcorp Genetics (formerly Invitae), Labcorp
Classification: Uncertain significance for Immunodeficiency, common variable, 10. Last evaluated: 2025-04-01. Review status: criteria provided, single submitter. Criteria: Invitae Variant Classification Sherloc (09022015). Collection method: clinical testing. Allele origin: germline.
Comment: This sequence change replaces glutamine, which is neutral and polar, with histidine, which is basic and polar, at codon 389 of the NFKB2 protein (p.Gln389His). This variant is present in population databases (rs746467194, gnomAD 0.01%). This variant has not been reported in the literature in individuals affected with NFKB2-related conditions. ClinVar contains an entry for this variant (Variation ID: 2739353). An algorithm developed to predict the effect of missense changes on protein structure and function (PolyPhen-2) suggests that this variant is likely to be tolerated. In summary, the available evidence is currently insufficient to determine the role of this variant in disease. Therefore, it has been classified as a Variant of Uncertain Significance.